The following is an entry in ClinVar:

NM_001430.5(EPAS1):c.800A>G (p.Tyr267Cys)

Gene: EPAS1 (endothelial PAS domain protein 1; plus strand). Cytogenetic location: 2p21.
Variant type: single nucleotide variant.
Coding change: c.800A>G on transcript NM_001430.5 (MANE Select); coding-DNA position 800, A replaced by G.
Protein change: p.Tyr267Cys; replaces tyrosine 267 with cysteine.
Molecular consequence: missense variant.
Genome position (GRCh38, 1-based): chr2:46,369,847, A>G. VCF-style: chr2-46369847-A-G. GRCh37 (hg19) VCF-style: chr2-46596986-A-G.
Other names: short protein forms Y267C.
Identifiers: ClinVar variation 3275664 (VCV003275664.1).

ClinVar aggregate classification (germline): Uncertain significance (1 of 4 stars; one submission).

Conditions:
Inborn genetic diseases. Identifiers: MedGen C0950123, MeSH D030342.

gnomAD v4.1: 1 of 1,613,042 alleles (0.000062%); highest among the groups gnomAD compares: Non-Finnish European, 0.000085%; no homozygotes.

Submission:

Ambry Genetics
Classification: Uncertain significance for Inborn genetic diseases. Last evaluated: 2024-03-18. Review status: criteria provided, single submitter. Criteria: Ambry Variant Classification Scheme 2023. Collection method: clinical testing. Allele origin: germline.
Comment: The p.Y267C variant (also known as c.800A>G), located in coding exon 7 of the EPAS1 gene, results from an A to G substitution at nucleotide position 800. The tyrosine at codon 267 is replaced by cysteine, an amino acid with highly dissimilar properties. This amino acid position is conserved. In addition, this alteration is predicted to be deleterious by in silico analysis. Based on the available evidence, the clinical significance of this alteration remains unclear.